The following is an entry in ClinVar:

ClinVar aggregate classification (germline): Uncertain significance. Review status: criteria provided, multiple submitters, no conflicts (2 of 4 stars). 2 submissions from 2 submitters: Uncertain significance (2). Last evaluated 2025-02-02.

Submissions (2):

Labcorp Genetics (formerly Invitae), Labcorp
Classification: Uncertain significance. Last evaluated: 2025-02-02. Review status: criteria provided, single submitter. Criteria: Invitae Variant Classification Sherloc (09022015). Collection method: clinical testing. Allele origin: germline.
Comment: This sequence change replaces arginine, which is basic and polar, with cysteine, which is neutral and slightly polar, at codon 200 of the CTNNB1 protein (p.Arg200Cys). This variant is not present in population databases (gnomAD no frequency). This variant has not been reported in the literature in individuals affected with CTNNB1-related conditions. Invitae Evidence Modeling of protein sequence and biophysical properties (such as structural, functional, and spatial information, amino acid conservation, physicochemical variation, residue mobility, and thermodynamic stability) indicates that this missense variant is expected to disrupt CTNNB1 protein function with a positive predictive value of 80%. In summary, the available evidence is currently insufficient to determine the role of this variant in disease. Therefore, it has been classified as a Variant of Uncertain Significance.

Blueprint Genetics
Classification: Uncertain significance. Last evaluated: 2023-07-17. Review status: criteria provided, single submitter. Criteria: ACMG Guidelines, 2015. Collection method: clinical testing. Allele origin: germline.

NM_001904.4(CTNNB1):c.598C>T (p.Arg200Cys)

Genes: CTNNB1 (catenin beta 1; plus strand), LOC126806658 (BRD4-independent group 4 enhancer GRCh37_chr3:41265899-41267098; plus strand). Cytogenetic location: 3p22.1.
Variant type: single nucleotide variant.
Coding change: c.598C>T on transcript NM_001904.4 (MANE Select); coding-DNA position 598, C replaced by T.
Protein change: p.Arg200Cys; replaces arginine 200 with cysteine.
Molecular consequence: missense variant.
Genome position (GRCh38, 1-based): chr3:41,225,436, C>T. VCF-style: chr3-41225436-C-T. GRCh37 (hg19) VCF-style: chr3-41266927-C-T.
Other names: c.598C>T, p.Arg200Cys (NM_001098209.2, NM_001098210.2); c.577C>T, p.Arg193Cys (NM_001330729.2); short protein forms R193C, R200C.
Identifiers: ClinVar variation 3615726 (VCV003615726.3).
Genomic context (GRCh38, chr3:41,225,436, plus strand): 5'-AAAAAGGAAGCTTCCAGACACGCTATCATGCGTTCTCCTCAGATGGTGTCTGCTATTGTA[C>T]GTACCATGCAGAATACAAATGATGTAGAAACAGCTCGTTGTACCGCTGGGACCTTGCATA-3'
Protein context (NP_001895.1, residues 190-210): RSPQMVSAIV[Arg200Cys]TMQNTNDVET